The following is an entry in ClinVar:

ClinVar aggregate classification (germline): Uncertain significance (1 of 4 stars; one submission).

gnomAD v4.1: 1 of 1,613,636 alleles (0.000062%); highest among the groups gnomAD compares: Non-Finnish European, 0.000085%; no homozygotes.

Submission:

Labcorp Genetics (formerly Invitae), Labcorp
Classification: Uncertain significance. Last evaluated: 2025-05-07. Review status: criteria provided, single submitter. Criteria: Invitae Variant Classification Sherloc (09022015). Collection method: clinical testing. Allele origin: germline.
Comment: This sequence change replaces serine, which is neutral and polar, with cysteine, which is neutral and slightly polar, at codon 528 of the TRIM8 protein (p.Ser528Cys). This variant is not present in population databases (gnomAD no frequency). This variant has not been reported in the literature in individuals affected with TRIM8-related conditions. An algorithm developed to predict the effect of missense changes on protein structure and function (PolyPhen-2) suggests that this variant is likely to be disruptive. In summary, the available evidence is currently insufficient to determine the role of this variant in disease. Therefore, it has been classified as a Variant of Uncertain Significance.

NM_030912.3(TRIM8):c.1583C>G (p.Ser528Cys)

Gene: TRIM8 (tripartite motif containing 8; plus strand). Cytogenetic location: 10q24.32.
Variant type: single nucleotide variant.
Coding change: c.1583C>G on transcript NM_030912.3 (MANE Select); coding-DNA position 1583, C replaced by G.
Protein change: p.Ser528Cys; replaces serine 528 with cysteine.
Molecular consequence: missense variant. On other transcripts: non-coding transcript variant (1).
Genome position (GRCh38, 1-based): chr10:102,657,281, C>G. VCF-style: chr10-102657281-C-G. GRCh37 (hg19) VCF-style: chr10-104417038-C-G.
Other names: c.1487C>G, p.Ser496Cys (NM_001345950.1); short protein forms S496C, S528C.
Identifiers: ClinVar variation 4781668 (VCV004781668.1).